The following is an entry in ClinVar:

NM_000080.4(CHRNE):c.1343T>C (p.Val448Ala)

Gene: CHRNE (cholinergic receptor nicotinic epsilon subunit; minus strand). Cytogenetic location: 17p13.2.
Variant type: single nucleotide variant.
Coding change: c.1343T>C on transcript NM_000080.4 (MANE Select); coding-DNA position 1343, T replaced by C.
Protein change: p.Val448Ala; replaces valine 448 with alanine.
Molecular consequence: missense variant.
Genome position (GRCh38, 1-based): chr17:4,898,875, A>G on the plus strand (T>C on the coding strand, the complement: CHRNE is on the minus strand). VCF-style: chr17-4898875-A-G. GRCh37 (hg19) VCF-style: chr17-4802170-A-G.
Other names: short protein forms V448A.
Identifiers: ClinVar variation 1407579 (VCV001407579.6), dbSNP rs1969824493, ClinGen allele CA397297909.

ClinVar aggregate classification (germline): Uncertain significance (1 of 4 stars; one submission).

Conditions:
Congenital myasthenic syndrome 4A. Also called: Myasthenic syndrome, congenital, 4a, slow-channel; CONGENITAL MYASTHENIC SYNDROME TYPE Ia1; MYASTHENIC SYNDROME, CONGENITAL, 4A, SLOW-CHANNEL, AUTOSOMAL RECESSIVE. Identifiers: Orphanet 590, MedGen C4225413, MONDO:0011600, OMIM 605809.

Submission:

Labcorp Genetics (formerly Invitae), Labcorp
Classification: Uncertain significance for Congenital myasthenic syndrome 4A. Last evaluated: 2022-06-27. Review status: criteria provided, single submitter. Criteria: Invitae Variant Classification Sherloc (09022015). Collection method: clinical testing. Allele origin: germline.
Comment: In summary, the available evidence is currently insufficient to determine the role of this variant in disease. Therefore, it has been classified as a Variant of Uncertain Significance. Advanced modeling of protein sequence and biophysical properties (such as structural, functional, and spatial information, amino acid conservation, physicochemical variation, residue mobility, and thermodynamic stability) performed at Invitae indicates that this missense variant is not expected to disrupt CHRNE protein function. This variant has not been reported in the literature in individuals affected with CHRNE-related conditions. This variant is not present in population databases (gnomAD no frequency). This sequence change replaces valine, which is neutral and non-polar, with alanine, which is neutral and non-polar, at codon 448 of the CHRNE protein (p.Val448Ala).